The following is an entry in ClinVar:

NM_001080508.3(TBX18):c.1570C>T (p.His524Tyr)

Gene: TBX18 (T-box transcription factor 18; minus strand). Cytogenetic location: 6q14.3.
Variant type: single nucleotide variant.
Coding change: c.1570C>T on transcript NM_001080508.3 (MANE Select); coding-DNA position 1570, C replaced by T.
Protein change: p.His524Tyr; replaces histidine 524 with tyrosine.
Molecular consequence: missense variant.
Genome position (GRCh38, 1-based): chr6:84,736,939, G>A on the plus strand (C>T on the coding strand, the complement: TBX18 is on the minus strand). VCF-style: chr6-84736939-G-A. GRCh37 (hg19) VCF-style: chr6-85446657-G-A.
Other names: short protein forms H524Y.
Identifiers: ClinVar variation 208528 (VCV000208528.5), dbSNP rs760905589, ClinGen allele CA204506.
Genomic context (GRCh38, chr6:84,736,939, plus strand): 5'-GACTGGCAGCCAGTTTGGGGGATGTGGAGAAGTTATATCCATATAGTGCACAGGGGCTGT[G>A]TAATCTAAAAGTATTATAGGAACCCTGATGGGTCTGGTTAGTGGCGAAGGCATTGCTGGA-3'
Protein context (NP_001073977.1, residues 514-534): HQGSYNTFRL[His524Tyr]SPCALYGYNF

ClinVar aggregate classification (germline): Uncertain significance. Review status: criteria provided, multiple submitters, no conflicts (2 of 4 stars). 4 submissions from 4 submitters: Uncertain significance (2). 2 of the submissions do not count toward it. Last evaluated 2025-07-07.

Conditions:
Congenital anomalies of kidney and urinary tract 2. Identifiers: Orphanet 2190, MedGen C5574705, MONDO:0027676, OMIM 143400.
Incidental Discovery. Identifiers: MedGen C1135954.

Allele frequency attached by ClinVar (database versions not stated): gnomAD exomes 0.00001; ExAC 0.00002.

Submissions (4):

Clinical Genetics Laboratory, Skane University Hospital Lund
Classification: Uncertain significance for Incidental Discovery. Last evaluated: 2025-07-07. Review status: criteria provided, single submitter. Criteria: ACMG Guidelines, 2015. Collection method: clinical testing. Allele origin: germline.
Comment: ACMG criteria used: PS3_supporting, PP3

Blueprint Genetics
Classification: Uncertain significance. Last evaluated: 2023-05-03. Review status: criteria provided, single submitter. Criteria: ACMG Guidelines, 2015. Collection method: clinical testing. Allele origin: germline.

Gharavi Laboratory, Columbia University
Classification: Likely pathogenic for Congenital anomalies of kidney and urinary tract 2. Last evaluated: 2024-11-05. Review status: no assertion criteria provided. Criteria: ACMG Guidelines, 2015. Collection method: case-control. Allele origin: germline. Affected: yes. Not counted in ClinVar's aggregate classification.

OMIM
Classification: Pathogenic for CONGENITAL ANOMALIES OF KIDNEY AND URINARY TRACT 2. Last evaluated: 2015-08-06. Review status: no assertion criteria provided. Collection method: literature only. Allele origin: germline. Not counted in ClinVar's aggregate classification.

Literature cited by the submitters: PubMed 26235987 (cited by OMIM).